The following is an entry in ClinVar:

ClinVar aggregate classification (germline): Pathogenic/Likely pathogenic. Review status: criteria provided, multiple submitters, no conflicts (2 of 4 stars). 11 submissions from 11 submitters: Pathogenic (3); Likely pathogenic (7). 1 of the submissions does not count toward it. Last evaluated 2026-01-31.

Conditions:
Retinal dystrophy. Also called: Inherited retinal dystrophy. Identifiers: Orphanet 71862, MedGen C0854723, MeSH D058499, MONDO:0019118, HP:0000556.
Asphyxiating thoracic dystrophy 4 (SRTD4). Also called: SHORT-RIB THORACIC DYSPLASIA 4 WITH OR WITHOUT POLYDACTYLY; SHORT-RIB THORACIC DYSPLASIA 4. Identifiers: Orphanet 474, MedGen C3151185, MONDO:0013441, OMIM 613819.
Retinitis pigmentosa (RP). Identifiers: Orphanet 791, MedGen C0035334, MeSH D012174, MONDO:0019200, OMIM 268000. Inheritance: Autosomal dominant, autosomal recessive and X linked inheritance.
Inborn genetic diseases. Identifiers: MedGen C0950123, MeSH D030342.
Jeune thoracic dystrophy. Also called: Jeune syndrome; Infantile thoracic dystrophy; Thoracic pelvic phalangeal dystrophy; Jeune's syndrome; Chondroectodermal dysplasia-like syndrome; Short-rib thoracic dysplasia. Identifiers: Orphanet 474, MedGen C0265275, MONDO:0018770.
DYNC2H1-related disorder. Also called: DYNC2H1-related condition; DYNC2H1-related disorders. Identifiers: MedGen CN378770.
Asphyxiating thoracic dystrophy 3. Also called: SHORT-RIB THORACIC DYSPLASIA 3 WITH OR WITHOUT POLYDACTYLY; POLYDACTYLY WITH NEONATAL CHONDRODYSTROPHY, TYPE I; SHORT-RIB THORACIC DYSPLASIA 3/6 WITH POLYDACTYLY, DIGENIC; Short rib polydactyly syndrome 2B; Saldino-Noonan Syndrome. Identifiers: Orphanet 474, Orphanet 93269, Orphanet 93270, Orphanet 93271, MedGen C0036069, MONDO:0013127, OMIM 613091.

Allele frequency attached by ClinVar (database versions not stated): gnomAD exomes 0.00017; TOPMed 0.00028; gnomAD 0.00032 and 0.00035; ExAC 0.00047; ESP Exome Variant Server 0.00052.
gnomAD v4.1: 527 of 1,551,114 alleles (0.034%); highest among the groups gnomAD compares: Non-Finnish European, 0.045%; no homozygotes.

Submissions (11):

Labcorp Genetics (formerly Invitae), Labcorp
Classification: Pathogenic for Jeune thoracic dystrophy. Last evaluated: 2026-01-31. Review status: criteria provided, single submitter. Criteria: Invitae Variant Classification Sherloc (09022015). Collection method: clinical testing. Allele origin: germline.
Comment: This sequence change replaces serine, which is neutral and polar, with proline, which is neutral and non-polar, at codon 3557 of the DYNC2H1 protein (p.Ser3557Pro). This variant is present in population databases (rs200460601, gnomAD 0.04%). This missense change has been observed in individual(s) with clinical features of asphyxiating thoracic dystrophy (PMID: 23339108, 25356970, 28973083; internal data). In at least one individual the data is consistent with being in trans (on the opposite chromosome) from a pathogenic variant. ClinVar contains an entry for this variant (Variation ID: 225033). Invitae Evidence Modeling of protein sequence and biophysical properties (such as structural, functional, and spatial information, amino acid conservation, physicochemical variation, residue mobility, and thermodynamic stability) has been performed for this missense variant. However, the output from this modeling did not meet the statistical confidence thresholds required to predict the impact of this variant on DYNC2H1 protein function. For these reasons, this variant has been classified as Pathogenic.

GeneDx
Classification: Likely pathogenic. Last evaluated: 2025-08-21. Review status: criteria provided, single submitter. Criteria: GeneDx Variant Classification Process June 2021. Collection method: clinical testing. Allele origin: germline. Affected: yes.
Comment: In silico analysis supports that this missense variant has a deleterious effect on protein structure/function; This variant is associated with the following publications: (PMID: 25356970, 28973083, 34426522, 23339108, 31308072)

Mayo Clinic Laboratories, Mayo Clinic
Classification: Likely pathogenic. Last evaluated: 2025-06-27. Review status: criteria provided, single submitter. Criteria: ACMG Guidelines, 2015. Collection method: clinical testing. Allele origin: germline. Observed: 1 variant allele.
Comment: PP4, PM2_supporting, PM3_strong

Myriad Genetics, Inc.
Classification: Likely pathogenic for Asphyxiating thoracic dystrophy 3. Last evaluated: 2025-06-23. Review status: criteria provided, single submitter. Criteria: Myriad Autosomal Dominant, Autosomal Recessive and X-Linked Classification Criteria (2023). Collection method: clinical testing. Allele origin: unknown.
Comment: NM_001377.2(DYNC2H1):c.10648T>C(S3550P) is a missense variant classified as likely pathogenic in the context of DYNC2H1-related disorders. S3550P has been observed in cases with relevant disease (PMID: 28973083, 23339108, 25356970 , Pattani_2024_(Article)). Relevant functional assessments of this variant are not available in the literature. Internal structural analysis of the variant is supportive of pathogenicity. S3550P has been observed in referenced population frequency databases. In summary, NM_001377.2(DYNC2H1):c.10648T>C(S3550P) is a missense variant that has internal structural support for pathogenicity and has been observed more frequently in cases with the relevant disease than in healthy populations. Please note: this variant was assessed in the context of healthy population screening.

Women's Health and Genetics/Laboratory Corporation of America, LabCorp
Classification: Likely pathogenic for Asphyxiating thoracic dystrophy 3. Last evaluated: 2025-04-09. Review status: criteria provided, single submitter. Criteria: LabCorp Variant Classification Summary - May 2015. Collection method: clinical testing. Allele origin: germline.
Comment: Variant summary: DYNC2H1 c.10669T>C (p.Ser3557Pro) results in a non-conservative amino acid change in the encoded protein sequence. Three of five in-silico tools predict a damaging effect of the variant on protein function. The variant allele was found at a frequency of 0.00017 in 172502 control chromosomes. This frequency is not significantly higher than estimated for a pathogenic variant in DYNC2H1 causing Short-rib thoracic dysplasia (0.00017 vs 0.0025), allowing no conclusion about variant significance. c.10669T>C has been reported in the literature in the homozygous and compound heterozygous sate in individuals affected with Short-rib thoracic dysplasia (Meng_2017, Farwell_2015, Baujat_2013). These data indicate that the variant is likely to be associated with disease. To our knowledge, no experimental evidence demonstrating an impact on protein function has been reported. The following publications have been ascertained in the context of this evaluation (PMID: 23339108, 25356970, 28973083). ClinVar contains an entry for this variant (Variation ID: 225033). Based on the evidence outlined above, the variant was classified as likely pathogenic.

Ambry Genetics
Classification: Likely pathogenic for Inborn genetic diseases. Last evaluated: 2024-10-02. Review status: criteria provided, single submitter. Criteria: Ambry Variant Classification Scheme 2023. Collection method: clinical testing. Allele origin: germline.
Comment: The p.S3557P variant (also known as c.10669T>C), located in coding exon 71 of the DYNC2H1 gene, results from a T to C substitution at nucleotide position 10669. The serine at codon 3557 is replaced by proline, an amino acid with similar properties. This variant is considered to be rare based on population cohorts in the Genome Aggregation Database (gnomAD). This amino acid position is moderately conserved in available vertebrate species. This variant has been identified in conjunction with other DYNC2H1 variants in individuals with features consistent with DYNC2H1-related skeletal ciliopathy; in at least one instance, the variants were identified in trans (Baujat G et al. J Med Genet, 2013 Feb;50:91-8; Farwell KD et al. Genet Med, 2015 Jul;17:578-86; Meng L et al. JAMA Pediatr, 2017 Dec;171:e173438; Ambry internal data; external communication). Based on the majority of available evidence to date, this variant is likely to be pathogenic.

Blueprint Genetics
Classification: Pathogenic for DYNC2H1-related disorders. Last evaluated: 2024-07-22. Review status: criteria provided, single submitter. Criteria: ACMG Guidelines, 2015. Collection method: clinical testing. Allele origin: germline. Affected: yes. Observed: 5 variant alleles.

Fulgent Genetics
Classification: Likely pathogenic for Asphyxiating thoracic dystrophy 3. Last evaluated: 2024-06-22. Review status: criteria provided, single submitter. Criteria: ACMG Guidelines, 2015. Collection method: clinical testing. Allele origin: germline.

Institute of Human Genetics, Univ. Regensburg, Univ. Regensburg
Classification: Likely pathogenic for Retinal dystrophy. Last evaluated: 2023-01-01. Review status: criteria provided, single submitter. Criteria: ACMG Guidelines, 2015. Collection method: clinical testing. Allele origin: germline. Affected: yes.

Baylor Genetics
Classification: Pathogenic for Asphyxiating thoracic dystrophy 3. Last evaluated: 2018-07-03. Review status: criteria provided, single submitter. Criteria: ACMG Guidelines, 2015. Collection method: clinical testing. Allele origin: paternal. Affected: yes.
Comment: This variant was determined to be pathogenic according to ACMG Guidelines, 2015 [PMID:25741868].

PreventionGenetics, part of Exact Sciences
Classification: Likely pathogenic for DYNC2H1-related condition. Last evaluated: 2024-08-01. Review status: no assertion criteria provided. Collection method: clinical testing. Allele origin: germline. Not counted in ClinVar's aggregate classification.
Comment: The DYNC2H1 c.10669T>C variant is predicted to result in the amino acid substitution p.Ser3557Pro. This variant is also reported as c.10648T>C (p.Ser3550Pro) with transcript NM_001377.2. This variant has been reported in the compound heterozygous state in two patients with asphyxiating thoracic dysplasia (Baujat et al. 2013. PubMed ID: 23339108; Table S3, Farwell et al. 2015. PubMed ID: 25356970) and was also identified in one patient with short-rib thoracic dysplasia 3 with or without polydactyly (Table S3, Meng et al. 2017. PubMed ID: 28973083). This variant is reported in 0.040% of alleles in individuals of European (Non-Finnish) descent in gnomAD. Interpretations for this variant in ClinVar are conflicting, ranging from uncertain significance to likely pathogenic. Taken together, we interpret this variant as likely pathogenic.

Literature cited by the submitters: PubMed 23339108 (cited by 5 submitters); PubMed 25356970 (cited by 5 submitters); PubMed 28973083 (cited by 5 submitters); PubMed 31308072 (cited by Mayo Clinic Laboratories, Mayo Clinic); PubMed 34426522 (cited by Mayo Clinic Laboratories, Mayo Clinic and Institute of Human Genetics, Univ. Regensburg, Univ. Regensburg).

NM_001377.3(DYNC2H1):c.10648T>C (p.Ser3550Pro)

Gene: DYNC2H1 (dynein cytoplasmic 2 heavy chain 1; plus strand). Cytogenetic location: 11q22.3.
Variant type: single nucleotide variant.
Coding change: c.10648T>C on transcript NM_001377.3 (MANE Select); coding-DNA position 10648, T replaced by C.
Protein change: p.Ser3550Pro; replaces serine 3550 with proline.
Molecular consequence: missense variant.
Genome position (GRCh38, 1-based): chr11:103,259,930, T>C. VCF-style: chr11-103259930-T-C. GRCh37 (hg19) VCF-style: chr11-103130659-T-C.
Other names: p.Ser3557Pro; c.10669T>C, p.Ser3557Pro (NM_001080463.2); short protein forms S3557P, S3550P.
Identifiers: ClinVar variation 225033 (VCV000225033.28), dbSNP rs200460601, ClinGen allele CA358022.